The following is an entry in ClinVar:

NM_003701.4(TNFSF11):c.-127C>G

Genes: TNFSF11 (TNF superfamily member 11; plus strand), LOC130009662 (ATAC-STARR-seq lymphoblastoid silent region 5301; plus strand). Cytogenetic location: 13q14.11.
Variant type: single nucleotide variant.
Coding change: c.-127C>G on transcript NM_003701.4 (MANE Select); 127 bases upstream of the start codon, C replaced by G.
Molecular consequence: 5 prime UTR variant. On other transcripts: intron variant (1).
Genome position (GRCh38, 1-based): chr13:42,574,177, C>G. VCF-style: chr13-42574177-C-G. GRCh37 (hg19) VCF-style: chr13-43148313-C-G.
Other names: c.-1+2439C>G (NM_033012.4).
Identifiers: ClinVar variation 312222 (VCV000312222.9), dbSNP rs9533157, ClinGen allele CA10639604.

ClinVar aggregate classification (germline): Benign. Review status: criteria provided, multiple submitters, no conflicts (2 of 4 stars). 3 submissions from 3 submitters: Benign (3). Last evaluated 2021-06-19.

Conditions:
Autosomal recessive osteopetrosis 2. Also called: OSTEOPETROSIS, MILD AUTOSOMAL RECESSIVE FORM. Identifiers: Orphanet 667, MedGen C1850126, MONDO:0009816, OMIM 259710.

Allele frequency attached by ClinVar (database versions not stated): TOPMed 0.99798; gnomAD 0.99807 and 0.99821; 1000 Genomes Project 30x 0.99859; 1000 Genomes Project 0.99880; gnomAD exomes 0.99983.
gnomAD v4.1: 1,344,542 of 1,345,028 alleles (100%); highest among the groups gnomAD compares: East Asian, 100%; 672,029 homozygotes.

Submissions (3):

GeneDx
Classification: Benign. Last evaluated: 2021-06-19. Review status: criteria provided, single submitter. Criteria: GeneDx Variant Classification Process June 2021. Collection method: clinical testing. Allele origin: germline. Affected: yes.

Illumina Laboratory Services, Illumina
Classification: Benign for Autosomal recessive osteopetrosis 2. Last evaluated: 2018-01-13. Review status: criteria provided, single submitter. Criteria: ICSL Variant Classification Criteria 13 December 2019. Collection method: clinical testing. Allele origin: germline.
Comment: This variant was observed in the ICSL laboratory as part of a predisposition screen in an ostensibly healthy population. It had not been previously curated by ICSL or reported in the Human Gene Mutation Database (HGMD: prior to June 1st, 2018), and was therefore a candidate for classification through an automated scoring system. Utilizing variant allele frequency, disease prevalence and penetrance estimates, and inheritance mode, an automated score was calculated to assess if this variant is too frequent to cause the disease. Based on the score and internal cut-off values, a variant classified as benign is not then subjected to further curation. The score for this variant resulted in a classification of benign for this disease.

Breakthrough Genomics
Classification: Benign. Review status: criteria provided, single submitter. Criteria: ACMG Guidelines, 2015. Collection method: not provided. Allele origin: germline. Inheritance: Autosomal recessive inheritance. Affected: yes.